The following is an entry in ClinVar:

ClinVar aggregate classification (germline): Likely pathogenic. Review status: criteria provided, multiple submitters, no conflicts (2 of 4 stars). 4 submissions from 4 submitters: Likely pathogenic (4). Last evaluated 2024-10-02.

Conditions:
Deficiency of acetyl-CoA acetyltransferase. Also called: 3-KETOTHIOLASE DEFICIENCY; 3-OXOTHIOLASE DEFICIENCY; Beta-ketothiolase deficiency; MITOCHONDRIAL ACETOACETYL-CoA THIOLASE DEFICIENCY. Identifiers: Orphanet 134, MedGen C1536500, MONDO:0008760, OMIM 203750. Disease mechanism: loss of function.

Allele frequency attached by ClinVar (database versions not stated): gnomAD exomes below 0.00001.
gnomAD v4.1: 1 of 1,614,152 alleles (0.000062%); highest among the groups gnomAD compares: Non-Finnish European, 0.000085%; no homozygotes.

Submissions (4):

Women's Health and Genetics/Laboratory Corporation of America, LabCorp
Classification: Likely pathogenic for Deficiency of acetyl-CoA acetyltransferase. Last evaluated: 2024-10-02. Review status: criteria provided, single submitter. Criteria: LabCorp Variant Classification Summary - May 2015. Collection method: clinical testing. Allele origin: germline.
Comment: Variant summary: ACAT1 c.655T>C (p.Tyr219His) results in a conservative amino acid change located in the Thiolase, N-terminal domain (IPR020616) of the encoded protein sequence. Four of five in-silico tools predict a damaging effect of the variant on protein function. The variant allele was found at a frequency of 4e-06 in 251310 control chromosomes. c.655T>C has been reported in the literature in the presumed compound heterozygous state in at least 1 individual affected with acetoacetyl-CoA thiolase (T2) deficiency (example, Sakurai_2007). At least one publication reports experimental evidence evaluating an impact on protein function. The most pronounced variant effect results in <10% of normal activity in fibroblasts (example, Sakurai_2007). The following publication has been ascertained in the context of this evaluation (PMID: 17236799). ClinVar contains an entry for this variant (Variation ID: 666492). Based on the evidence outlined above, the variant was classified as likely pathogenic.

Baylor Genetics
Classification: Likely pathogenic for Deficiency of acetyl-CoA acetyltransferase. Last evaluated: 2023-11-14. Review status: criteria provided, single submitter. Criteria: ACMG Guidelines, 2015. Collection method: clinical testing. Allele origin: unknown.

Labcorp Genetics (formerly Invitae), Labcorp
Classification: Likely pathogenic for Deficiency of acetyl-CoA acetyltransferase. Last evaluated: 2023-10-26. Review status: criteria provided, single submitter. Criteria: Invitae Variant Classification Sherloc (09022015). Collection method: clinical testing. Allele origin: germline.
Comment: This sequence change replaces tyrosine, which is neutral and polar, with histidine, which is basic and polar, at codon 219 of the ACAT1 protein (p.Tyr219His). This variant is present in population databases (no rsID available, gnomAD 0.0009%). This missense change has been observed in individual(s) with ACAT1-related conditions (PMID: 17236799; Invitae). In at least one individual the data is consistent with being in trans (on the opposite chromosome) from a pathogenic variant. ClinVar contains an entry for this variant (Variation ID: 666492). Advanced modeling of protein sequence and biophysical properties (such as structural, functional, and spatial information, amino acid conservation, physicochemical variation, residue mobility, and thermodynamic stability) has been performed at Invitae for this missense variant, however the output from this modeling did not meet the statistical confidence thresholds required to predict the impact of this variant on ACAT1 protein function. Experimental studies have shown that this missense change affects ACAT1 function (PMID: 17236799). In summary, the currently available evidence indicates that the variant is pathogenic, but additional data are needed to prove that conclusively. Therefore, this variant has been classified as Likely Pathogenic.

Department of Pediatrics, Gifu University
Classification: Likely pathogenic for Deficiency of acetyl-CoA acetyltransferase. Last evaluated: 2019-05-05. Review status: criteria provided, single submitter. Criteria: ACMG Guidelines, 2015. Collection method: research. Allele origin: germline. Affected: yes. Observed: 2 variant alleles.

Literature cited by the submitters: PubMed 17236799 (cited by 3 submitters); PubMed 31268215 (cited by Department of Pediatrics, Gifu University).

NM_000019.4(ACAT1):c.655T>C (p.Tyr219His)

Gene: ACAT1 (acetyl-CoA acetyltransferase 1; plus strand). Cytogenetic location: 11q22.3.
Variant type: single nucleotide variant.
Coding change: c.655T>C on transcript NM_000019.4 (MANE Select); coding-DNA position 655, T replaced by C.
Protein change: p.Tyr219His; replaces tyrosine 219 with histidine.
Molecular consequence: missense variant.
Genome position (GRCh38, 1-based): chr11:108,140,140, T>C. VCF-style: chr11-108140140-T-C. GRCh37 (hg19) VCF-style: chr11-108010867-T-C.
Other names: short protein forms Y219H.
Identifiers: ClinVar variation 666492 (VCV000666492.6), dbSNP rs1437567292, ClinGen allele CA382507537.